The following is an entry in ClinVar:

ClinVar aggregate classification (germline): Uncertain significance (1 of 4 stars; one submission).

Submission:

CeGaT Center for Human Genetics Tuebingen
Classification: Uncertain significance. Last evaluated: 2022-07-01. Review status: criteria provided, single submitter. Criteria: CeGaT Center For Human Genetics Tuebingen Variant Classification Criteria Version 2. Collection method: clinical testing. Allele origin: germline. Affected: yes. Observed: 1 variant allele.
Comment: CNKSR1: PM2, PVS1:Supporting

NM_006314.3(CNKSR1):c.93G>A (p.Trp31Ter)

Gene: CNKSR1 (connector enhancer of kinase suppressor of Ras 1; plus strand). Cytogenetic location: 1p36.11.
Variant type: single nucleotide variant.
Coding change: c.93G>A on transcript NM_006314.3 (MANE Select); coding-DNA position 93, G replaced by A.
Protein change: p.Trp31Ter; replaces tryptophan 31 with a stop codon.
Molecular consequence: nonsense. On other transcripts: 5 prime UTR variant (1).
Genome position (GRCh38, 1-based): chr1:26,180,493, G>A. VCF-style: chr1-26180493-G-A. GRCh37 (hg19) VCF-style: chr1-26506984-G-A.
Other names: c.93G>A, p.Trp31Ter (NM_001297647.2); c.-677G>A (NM_001297648.2); short protein forms W31*.
Identifiers: ClinVar variation 2638504 (VCV002638504.24), dbSNP rs2523096137, ClinGen allele CA339106231.
Genomic context (GRCh38, chr1:26,180,493, plus strand): 5'-GAGCCTTACTCTCCCTCCAGGTCTTGACGACTCCCTGCAGGACTATCCCTTTGAGGACTG[G>A]CAGCTGCCTGGCAAGAACCTGCTCCAGCTCTGCCCCCAAAGCCTCGAGGCTCTGGCTGTG-3'